The following is an entry in ClinVar:

NM_003579.4(RAD54L):c.-4C>G

Gene: RAD54L (RAD54 like; plus strand). Cytogenetic location: 1p34.1.
Variant type: single nucleotide variant.
Coding change: c.-4C>G on transcript NM_003579.4 (MANE Select); 4 bases upstream of the start codon, C replaced by G.
Molecular consequence: 5 prime UTR variant. On other transcripts: intron variant (1).
Genome position (GRCh38, 1-based): chr1:46,248,402, C>G. VCF-style: chr1-46248402-C-G. GRCh37 (hg19) VCF-style: chr1-46714074-C-G.
Other names: c.-4C>G (NM_001142548.2); c.-537-110C>G (NM_001370766.1).
Identifiers: ClinVar variation 4820782 (VCV004820782.4).

ClinVar aggregate classification (germline): Benign (1 of 4 stars; one submission).

gnomAD v4.1: 2,513 of 1,613,946 alleles (0.16%); highest among the groups gnomAD compares: Middle Eastern, 0.44%; 7 homozygotes.

Submission:

CeGaT Center for Human Genetics Tuebingen
Classification: Benign. Last evaluated: 2026-01-01. Review status: criteria provided, single submitter. Criteria: CeGaT Center For Human Genetics Tuebingen Variant Classification Criteria Version 2. Collection method: clinical testing. Allele origin: germline. Affected: yes. Observed: 1 variant allele.
Comment: RAD54L: BP4, BS1, BS2